The following is an entry in ClinVar:

ClinVar aggregate classification (germline): Uncertain significance (1 of 4 stars; one submission).

Conditions:
Myopathy, proximal, and ophthalmoplegia (CMYO6). Also called: MYOPATHY WITH CONGENITAL JOINT CONTRACTURES, OPHTHALMOPLEGIA, AND RIMMED VACUOLES; CONGENITAL MYOPATHY 6 WITH OPHTHALMOPLEGIA; INCLUSION BODY MYOPATHY 3, AUTOSOMAL DOMINANT. Identifiers: Orphanet 363677, Orphanet 79091, MedGen C1854106, MONDO:0011577, OMIM 605637.

Submission:

Labcorp Genetics (formerly Invitae), Labcorp
Classification: Uncertain significance for Myopathy, proximal, and ophthalmoplegia. Last evaluated: 2019-09-12. Review status: criteria provided, single submitter. Criteria: Invitae Variant Classification Sherloc (09022015). Collection method: clinical testing. Allele origin: germline.
Comment: In summary, the available evidence is currently insufficient to determine the role of this variant in disease. Therefore, it has been classified as a Variant of Uncertain Significance. Experimental studies and prediction algorithms are not available or were not evaluated for this variant, and the functional significance of this variant is currently unknown. This variant has not been reported in the literature in individuals with MYH2-related conditions. This variant is not present in population databases (ExAC no frequency). This variant, c.1316_1321del, results in the deletion of 2 amino acid(s) of the MYH2 protein (p.Phe439_Leu440del), but otherwise preserves the integrity of the reading frame.

NM_017534.6(MYH2):c.1316_1321del (p.Phe439_Leu440del)

Genes: MYH2 (myosin heavy chain 2; minus strand), MYHAS (myosin heavy chain gene cluster antisense RNA; plus strand). Cytogenetic location: 17p13.1.
Variant type: Deletion.
Coding change: c.1316_1321del on transcript NM_017534.6 (MANE Select); coding-DNA positions 1316 to 1321, 6 bases deleted (TCCTGT; older notation c.1316_1321delTCCTGT).
Protein change: p.Phe439_Leu440del.
Molecular consequence: inframe deletion.
Genome position (GRCh38, 1-based): chr17:10,539,300-10,539,305, ACAGGA deleted on the plus strand (TCCTGT on the coding strand, the reverse complement: MYH2 is on the minus strand); deleting any 6 consecutive bases within chr17:10,539,300-10,539,308 gives the same sequence; the c. name uses the placement nearest the transcript's 3' end. VCF-style (leftmost placement, unchanged base first): chr17-10539299-CACAGGA-C. GRCh37 (hg19) VCF-style: chr17-10442616-CACAGGA-C.
Other names: c.1316_1321del, p.Phe439_Leu440del (NM_001100112.2).
Identifiers: ClinVar variation 938709 (VCV000938709.7), dbSNP rs2073521807, ClinGen allele CA1139665224.